The following is an entry in ClinVar:

ClinVar aggregate classification (germline): Uncertain significance. Review status: criteria provided, multiple submitters, no conflicts (2 of 4 stars). 2 submissions from 2 submitters: Uncertain significance (2). Last evaluated 2026-01-19.

Conditions:
Hereditary cancer-predisposing syndrome. Also called: Tumor predisposition; Hereditary neoplastic syndrome; Neoplastic Syndromes, Hereditary; Hereditary Cancer Syndrome. Identifiers: Orphanet 140162, MedGen C0027672, MeSH D009386, MONDO:0015356.

Allele frequency attached by ClinVar (database versions not stated): gnomAD exomes below 0.00001; TOPMed 0.00001.
gnomAD v4.1: 1 of 1,613,350 alleles (0.000062%); highest among the groups gnomAD compares: African/African-American, 0.0013%; no homozygotes.

Submissions (2):

Labcorp Genetics (formerly Invitae), Labcorp
Classification: Uncertain significance. Last evaluated: 2026-01-19. Review status: criteria provided, single submitter. Criteria: Invitae Variant Classification Sherloc (09022015). Collection method: clinical testing. Allele origin: germline.
Comment: This sequence change replaces alanine, which is neutral and non-polar, with valine, which is neutral and non-polar, at codon 200 of the HOXB13 protein (p.Ala200Val). This variant is present in population databases (no rsID available, gnomAD 0.007%). This variant has not been reported in the literature in individuals affected with HOXB13-related conditions. ClinVar contains an entry for this variant (Variation ID: 845409). An algorithm developed to predict the effect of missense changes on protein structure and function (PolyPhen-2) suggests that this variant is likely to be tolerated. Algorithms developed to predict the effect of sequence changes on RNA splicing suggest that this variant may disrupt the consensus splice site. In summary, the available evidence is currently insufficient to determine the role of this variant in disease. Therefore, it has been classified as a Variant of Uncertain Significance.

Ambry Genetics
Classification: Uncertain significance for Hereditary cancer-predisposing syndrome. Last evaluated: 2025-10-30. Review status: criteria provided, single submitter. Criteria: Ambry Variant Classification Scheme 2023. Collection method: clinical testing. Allele origin: germline.
Comment: The p.A200V variant (also known as c.599C>T), located in coding exon 1 of the HOXB13 gene, results from a C to T substitution at nucleotide position 599. The alanine at codon 200 is replaced by valine, an amino acid with similar properties. This amino acid position is not well conserved in available vertebrate species. In addition, the in silico prediction for this alteration is inconclusive. Based on the available evidence, the clinical significance of this variant remains unclear.

NM_006361.6(HOXB13):c.599C>T (p.Ala200Val)

Gene: HOXB13 (homeobox B13; minus strand). Cytogenetic location: 17q21.32.
Variant type: single nucleotide variant.
Coding change: c.599C>T on transcript NM_006361.6 (MANE Select); coding-DNA position 599, C replaced by T.
Protein change: p.Ala200Val; replaces alanine 200 with valine.
Molecular consequence: missense variant.
Genome position (GRCh38, 1-based): chr17:48,727,995, G>A on the plus strand (C>T on the coding strand, the complement: HOXB13 is on the minus strand). VCF-style: chr17-48727995-G-A. GRCh37 (hg19) VCF-style: chr17-46805357-G-A.
Other names: short protein forms A200V.
Identifiers: ClinVar variation 845409 (VCV000845409.12), dbSNP rs1440293968, ClinGen allele CA400107097.